The following is an entry in ClinVar:

ClinVar aggregate classification (germline): Pathogenic (1 of 4 stars; one submission).

Conditions:
Glycogen storage disease IV, classic hepatic. Also called: GSD IV, CLASSIC HEPATIC. Identifiers: MedGen C1856301.
Glycogen storage disease, type IV (GSD4). Also called: Glycogen storage disease due to glycogen branching enzyme deficiency; AMYLOPECTINOSIS; ANDERSEN DISEASE; BRANCHER DEFICIENCY; CIRRHOSIS, FAMILIAL, WITH DEPOSITION OF ABNORMAL GLYCOGEN; GBE1 DEFICIENCY. Identifiers: Orphanet 367, MedGen C0017923, MONDO:0009292, OMIM 232500.

Submission:

Labcorp Genetics (formerly Invitae), Labcorp
Classification: Pathogenic for Glycogen storage disease, type IV; Glycogen storage disease IV, classic hepatic. Last evaluated: 2021-08-14. Review status: criteria provided, single submitter. Criteria: Invitae Variant Classification Sherloc (09022015). Collection method: clinical testing. Allele origin: germline.
Comment: For these reasons, this variant has been classified as Pathogenic. This variant has not been reported in the literature in individuals affected with GBE1-related conditions. This variant is a gross deletion of the genomic region encompassing exon(s) 2-12 of the GBE1 gene. This deletion is out-of-frame, and is expected to create a premature termination codon and result in an absent or disrupted protein product. Loss-of-function variants in GBE1 are known to be pathogenic (PMID: 15452297, 20058079).

Literature cited by the submitters: PubMed 15452297; PubMed 20058079.

NC_000003.11:g.(?_81627066)_(81754774_?)del

Gene: GBE1 (1,4-alpha-glucan branching enzyme 1; minus strand). Cytogenetic location: 3p12.2.
Variant type: Deletion.
Identifiers: ClinVar variation 1458725 (VCV001458725.4).